The following is an entry in ClinVar:

ClinVar aggregate classification (germline): Pathogenic/Likely pathogenic. Review status: criteria provided, multiple submitters, no conflicts (2 of 4 stars). 10 submissions from 10 submitters: Pathogenic (4); Likely pathogenic (5). 1 of the submissions does not count toward it. Last evaluated 2026-06-01.

Conditions:
Wilson disease (WND). Also called: Wilson's disease. Identifiers: Orphanet 905, MedGen C0019202, MONDO:0010200, OMIM 277900. Disease mechanism: loss of function.

Allele frequency attached by ClinVar (database versions not stated): gnomAD 0.00001; gnomAD exomes 0.00001 and 0.00002; ExAC 0.00003.
gnomAD v4.1: 9 of 1,613,972 alleles (0.00056%); highest among the groups gnomAD compares: South Asian, 0.0011%; no homozygotes.

Submissions (10):

CeGaT Center for Human Genetics Tuebingen
Classification: Pathogenic. Last evaluated: 2026-06-01. Review status: criteria provided, single submitter. Criteria: CeGaT Center For Human Genetics Tuebingen Variant Classification Criteria Version 2. Collection method: clinical testing. Allele origin: germline. Affected: yes. Observed: 1 variant allele.
Comment: ATP7B: PM3:Strong, PVS1:Strong, PM2

Women's Health and Genetics/Laboratory Corporation of America, LabCorp
Classification: Pathogenic for Wilson disease. Last evaluated: 2026-01-26. Review status: criteria provided, single submitter. Criteria: LabCorp Variant Classification Summary - May 2015. Collection method: clinical testing. Allele origin: germline.
Comment: Variant summary: ATP7B c.3243+1G>A is located in a canonical splice-site and is predicted to affect mRNA splicing resulting in a significantly altered protein due to either exon skipping, shortening, or inclusion of intronic material. Variants that disrupt the consensus splice site are a relatively common cause of aberrant splicing and loss of ATP7B function. Several computational tools predict a significant impact on normal splicing: Four predict the variant abolishes a 5' splicing donor site. However, these predictions have yet to be confirmed by functional studies. The variant allele was found at a frequency of 1.6e-05 in 249110 control chromosomes. c.3243+1G>A has been observed in homozygous and compound heterozygous individuals affected with Wilson Disease (Kumar_2025, internal data). These data indicate that the variant is very likely to be associated with disease. To our knowledge, no experimental evidence demonstrating an impact on protein function has been reported. The following publications have been ascertained in the context of this evaluation (PMID: 39535360). ClinVar contains an entry for this variant (Variation ID: 557958). Based on the evidence outlined above, the variant was classified as pathogenic.

Color Diagnostics, LLC DBA Color Health
Classification: Likely pathogenic for Wilson disease. Last evaluated: 2025-11-06. Review status: criteria provided, single submitter. Criteria: ACMG Guidelines, 2015. Collection method: clinical testing. Allele origin: germline.
Comment: This variant causes a G to A nucleotide substitution at the +1 position of intron 14 of the ATP7B gene. Splice site prediction tools predict that this variant may have a significant impact on RNA splicing. Although this prediction has not been confirmed in published RNA studies, this variant is expected to disrupt normal expression of exon 14, which contains multiple, important functional domains (PMID: 35245129). This variant has not been reported in individuals affected with Wilson disease in the literature. This variant has been identified in 4/249110 chromosomes in the general population by the Genome Aggregation Database (gnomAD). Based on the available evidence, this variant is classified as Likely Pathogenic.

Natera, Inc.
Classification: Likely pathogenic for Wilson disease. Last evaluated: 2025-07-25. Review status: criteria provided, single submitter. Criteria: Natera Variant Classification Schema (03/2026). Collection method: clinical testing. Allele origin: germline.
Comment: The c.3243+1G>A variant in ATP7B is a canonical splice donor site variant predicted to affect pre-mRNA splicing, which may result in an abnormal transcript and altered protein product. This variant is expected to result in nonsense mediated decay, truncation, or a dysfunctional protein product. This variant is rare in the general population with a frequency below the threshold expected for the associated phenotype(s). This variant has been observed in one or more individuals affected with the associated recessive disease, as either homozygous or compound heterozygous with a second variant (PMID: 39535360). Given the available evidence, this variant is classified as Likely Pathogenic.

Labcorp Genetics (formerly Invitae), Labcorp
Classification: Pathogenic for Wilson disease. Last evaluated: 2025-03-04. Review status: criteria provided, single submitter. Criteria: Invitae Variant Classification Sherloc (09022015). Collection method: clinical testing. Allele origin: germline.
Comment: This sequence change affects a donor splice site in intron 14 of the ATP7B gene. It is expected to disrupt RNA splicing. Variants that disrupt the donor or acceptor splice site typically lead to a loss of protein function (PMID: 16199547), and loss-of-function variants in ATP7B are known to be pathogenic (PMID: 10441329, 16283883). This variant is present in population databases (rs748819198, gnomAD 0.003%). Disruption of this splice site has been observed in individual(s) with Wilson disease (internal data). In at least one individual the data is consistent with being in trans (on the opposite chromosome) from a pathogenic variant. ClinVar contains an entry for this variant (Variation ID: 557958). Algorithms developed to predict the effect of sequence changes on RNA splicing suggest that this variant may disrupt the consensus splice site. For these reasons, this variant has been classified as Pathogenic.

Lildballe Lab, Aarhus University Hospital
Classification: Pathogenic for Wilson disease. Last evaluated: 2024-08-29. Review status: criteria provided, single submitter. Criteria: ACMG Guidelines, 2015. Collection method: clinical testing. Allele origin: germline. Affected: yes.
Comment: PVS1, PP5, PM2

All of Us Research Program, National Institutes of Health
Classification: Likely pathogenic for Wilson disease. Last evaluated: 2023-12-18. Review status: criteria provided, single submitter. Criteria: ACMG Guidelines, 2015. Collection method: clinical testing. Allele origin: germline. Inheritance: Autosomal recessive inheritance. Observed: 1 variant allele, 1 heterozygote.
Comment: This variant causes a G to A nucleotide substitution at the +1 position of intron 14 of the ATP7B gene. Splice site prediction tools predict that this variant may have a significant impact on RNA splicing. Although this prediction has not been confirmed in published RNA studies, this variant is expected to disrupt normal expression of exon 14, which contains multiple, important functional domains (PMID: 35245129). This variant has not been reported in individuals affected with Wilson disease in the literature. This variant has been identified in 4/249110 chromosomes in the general population by the Genome Aggregation Database (gnomAD). Based on the available evidence, this variant is classified as Likely Pathogenic.

This study involves interpretation of variants in research participants for the purpose of population health screening. Participant phenotype was not available at the time of variant classification. Additional details can be found in publication PMID: 35346344, PMCID: PMC8962531

Mayo Clinic Laboratories, Mayo Clinic
Classification: Likely pathogenic. Last evaluated: 2023-03-17. Review status: criteria provided, single submitter. Criteria: ACMG Guidelines, 2015. Collection method: clinical testing. Allele origin: germline. Observed: 1 variant allele.
Comment: PP4, PM2, PVS1

Revvity Omics, Revvity
Classification: Likely pathogenic for Wilson disease. Last evaluated: 2022-09-12. Review status: criteria provided, single submitter. Criteria: ACMG Guidelines, 2015. Collection method: clinical testing. Allele origin: germline.

Counsyl
Classification: Likely pathogenic for Wilson disease. Last evaluated: 2018-04-18. Review status: no assertion criteria provided. Collection method: clinical testing. Allele origin: unknown. Not counted in ClinVar's aggregate classification.

Literature cited by the submitters: PubMed 39535360 (cited by Women's Health and Genetics/Laboratory Corporation of America, LabCorp and Natera, Inc.); PubMed 35245129 (cited by Color Diagnostics, LLC DBA Color Health and All of Us Research Program, National Institutes of Health); PubMed 16199547 (cited by Labcorp Genetics (formerly Invitae), Labcorp); PubMed 10441329 (cited by Labcorp Genetics (formerly Invitae), Labcorp); PubMed 16283883 (cited by Labcorp Genetics (formerly Invitae), Labcorp); PubMed 31980526 (cited by Mayo Clinic Laboratories, Mayo Clinic).

NM_000053.4(ATP7B):c.3243+1G>A

Gene: ATP7B (ATPase copper transporting beta; minus strand). Cytogenetic location: 13q14.3.
Variant type: single nucleotide variant.
Coding change: c.3243+1G>A on transcript NM_000053.4 (MANE Select); the canonical splice donor site of the intron after coding-DNA position 3243, G replaced by A.
Molecular consequence: splice donor variant. On other transcripts: intron variant (1).
Genome position (GRCh38, 1-based): chr13:51,944,108, C>T on the plus strand (G>A on the coding strand, the complement: ATP7B is on the minus strand). VCF-style: chr13-51944108-C-T. GRCh37 (hg19) VCF-style: chr13-52518244-C-T.
Other names: c.2757+1G>A (NM_001406541.1, NM_001406542.1); c.2991+1G>A (NM_001406531.1, NM_001406532.1, NM_001330579.2); c.3009+1G>A (NM_001406527.1, NM_001406528.1, NM_001406538.1 and 1 more transcripts); c.2904+1G>A (NM_001406537.1); c.3099+1G>A (NM_001406521.1, NM_001406522.1, NM_001406520.1); c.3237+1G>A (NM_001406513.1); c.3243+1G>A (NM_001406511.1, NM_001406512.1, NM_001406526.1); c.2895+1G>A (NM_001406543.1); and 19 more.
Identifiers: ClinVar variation 557958 (VCV000557958.19), dbSNP rs748819198, ClinGen allele CA6988776.